The following is an entry in ClinVar:

ClinVar aggregate classification (germline): Pathogenic/Likely pathogenic. Review status: criteria provided, multiple submitters, no conflicts (2 of 4 stars). 7 submissions from 7 submitters: Pathogenic (5); Likely pathogenic (2). Last evaluated 2026-09-29.

Conditions:
Cardiovascular phenotype. Identifiers: MedGen CN230736.
Hereditary cancer-predisposing syndrome. Also called: Hereditary Cancer Syndrome; Hereditary neoplastic syndrome; Tumor predisposition; Neoplastic Syndromes, Hereditary. Identifiers: Orphanet 140162, MedGen C0027672, MeSH D009386, MONDO:0015356.
Neurofibromatosis, type 1 (NF1). Also called: Peripheral type neurofibromatosis; VON RECKLINGHAUSEN DISEASE; NEUROFIBROMATOSIS, TYPE I, SOMATIC; Neurofibromatosis, type I. Identifiers: Orphanet 636, MedGen C0027831, MONDO:0018975, OMIM 162200. Disease mechanism: loss of function.

Submissions (7):

MVZ Martinsried, Medicover Genetics
Classification: Pathogenic for Neurofibromatosis, type 1. Last evaluated: 2026-09-29. Review status: criteria provided, single submitter. Criteria: ClinGen Variant Curation SOP V3.2 + Classification Guidance July2025. Collection method: clinical testing. Allele origin: inherited. Observed: 1 heterozygote.

Labcorp Genetics (formerly Invitae), Labcorp
Classification: Pathogenic for Neurofibromatosis, type 1. Last evaluated: 2025-12-13. Review status: criteria provided, single submitter. Criteria: Invitae Variant Classification Sherloc (09022015). Collection method: clinical testing. Allele origin: germline.
Comment: This sequence change creates a premature translational stop signal (p.Gln20*) in the NF1 gene. RNA analysis indicates that this premature translational stop signal induces altered splicing and may result in an absent or altered protein product. This variant is not present in population databases (gnomAD no frequency). This premature translational stop signal has been observed in individual(s) with neurofibromatosis type 1 (PMID: 18546366). Invitae Evidence Modeling of clinical and family history, age, sex, and reported ancestry of multiple individuals with this NF1 variant has been performed. This variant is expected to be pathogenic with a positive predictive value of at least 99%. This is a validated machine learning model that incorporates the clinical features of 1,785,918 individuals referred to our laboratory for NF1 testing. ClinVar contains an entry for this variant (Variation ID: 576465). Studies have shown that this premature translational stop signal results in activation of a cryptic splice site, and produces a non-functional protein and/or introduces a premature termination codon (PMID: 18546366). For these reasons, this variant has been classified as Pathogenic.

NHS Central & South Genomic Laboratory Hub
Classification: Pathogenic for Neurofibromatosis type 1. Last evaluated: 2025-09-25. Review status: criteria provided, single submitter. Criteria: ACMG Guidelines, 2015. Collection method: clinical testing. Allele origin: germline. Affected: yes.

GeneDx
Classification: Pathogenic. Last evaluated: 2024-12-05. Review status: criteria provided, single submitter. Criteria: GeneDx Variant Classification Process June 2021. Collection method: clinical testing. Allele origin: germline. Affected: yes.
Comment: Nonsense variant predicted to result in protein truncation or nonsense mediated decay in a gene for which loss of function is a known mechanism of disease; Published functional studies demonstrate a damaging effect: deletion of the last 4 nucleotides in exon 1 due to the creation of an aberrant splice site, leading to a frameshift that is expected to result in protein truncation or nonsense mediated decay (PMID: 18546366); Not observed at significant frequency in large population cohorts (gnomAD); This variant is associated with the following publications: (PMID: 29673180, 37453313, 23913538, 36612057, 18546366)

Genome-Nilou Lab
Classification: Likely pathogenic for Neurofibromatosis, type 1. Last evaluated: 2022-03-15. Review status: criteria provided, single submitter. Criteria: ACMG Guidelines, 2015. Collection method: clinical testing. Allele origin: germline. Affected: no.

Ambry Genetics
Classification: Pathogenic for Cardiovascular phenotype; Hereditary cancer-predisposing syndrome. Last evaluated: 2021-12-20. Review status: criteria provided, single submitter. Criteria: Ambry Variant Classification Scheme 2023. Collection method: clinical testing. Allele origin: germline.
Comment: The p.Q20* pathogenic mutation (also known as c.58C>T), located in coding exon 1 of the NF1 gene, results from a C to T substitution at nucleotide position 58. This changes the amino acid from a glutamine to a stop codon within coding exon 1. In silico splice site analysis predicts that this alteration will result in the creation or strengthening of a novel splice donor site. This alteration has been reported in patients with either clinical diagnosis of or suspicion of Neurofibromatosis type 1 and RNA studies have demonstrated that this alteration results in a deletion of the last 4 nucleotides in exon 1 (Pros E et al. Hum Mutat, 2008 Sep;29:E173-93; Sabbagh A et al. Hum Mutat, 2013 Nov;34:1510-8). This alteration is expected to result in loss of function by premature protein truncation or nonsense-mediated mRNA decay. As such, this alteration is interpreted as a disease-causing mutation.

Genome Diagnostics Laboratory, The Hospital for Sick Children
Classification: Likely pathogenic for Neurofibromatosis, type 1. Last evaluated: 2020-10-26. Review status: criteria provided, single submitter. Criteria: ACMG Guidelines, 2015. Collection method: clinical testing. Allele origin: germline. Affected: yes.

Literature cited by the submitters: PubMed 18546366 (cited by Labcorp Genetics (formerly Invitae), Labcorp).

NM_001042492.3(NF1):c.58C>T (p.Gln20Ter)

Genes: MIR4733HG (MIR4733 host gene; minus strand), NF1 (neurofibromin 1; plus strand), LOC111811965 (NF1 (neurofibromin 1) promoter region; plus strand). Cytogenetic location: 17q11.2.
Variant type: single nucleotide variant.
Coding change: c.58C>T on transcript NM_001042492.3 (MANE Select); coding-DNA position 58, C replaced by T.
Protein change: p.Gln20Ter; replaces glutamine 20 with a stop codon.
Molecular consequence: nonsense. On other transcripts: non-coding transcript variant (1).
Genome position (GRCh38, 1-based): chr17:31,095,367, C>T. VCF-style: chr17-31095367-C-T. GRCh37 (hg19) VCF-style: chr17-29422385-C-T.
Other names: c.58C>T, p.Gln20Ter (NM_000267.4, NM_001128147.3); short protein forms Q20*.
Identifiers: ClinVar variation 576465 (VCV000576465.17), dbSNP rs1567786905, ClinGen allele CA398979432.